The following is an entry in ClinVar:

NM_001903.5(CTNNA1):c.1348G>A (p.Val450Ile)

Gene: CTNNA1 (catenin alpha 1; plus strand). Cytogenetic location: 5q31.2.
Variant type: single nucleotide variant.
Coding change: c.1348G>A on transcript NM_001903.5 (MANE Select); coding-DNA position 1348, G replaced by A.
Protein change: p.Val450Ile; replaces valine 450 with isoleucine.
Molecular consequence: missense variant. On other transcripts: 5 prime UTR variant (6), intron variant (3).
Genome position (GRCh38, 1-based): chr5:138,904,400, G>A. VCF-style: chr5-138904400-G-A. GRCh37 (hg19) VCF-style: chr5-138240089-G-A.
Other names: c.1348G>A, p.Val450Ile (NM_001290307.3, NM_001323982.2, NM_001323983.1 and 2 more transcripts); c.1039G>A, p.Val347Ile (NM_001290309.3); c.979G>A, p.Val327Ile (NM_001290310.3); c.238G>A, p.Val80Ile (NM_001290312.1, NM_001323987.1, NM_001323988.1 and 17 more transcripts); c.-160G>A (NM_001324006.1, NM_001324007.1, NM_001324008.1 and 1 more transcripts); c.-6G>A (NM_001324012.1, NM_001324013.1); c.1297-13342G>A (NM_001323986.2); c.187-13342G>A (NM_001324011.1); and 1 more; short protein forms V347I, V327I, V450I, V80I.
Identifiers: ClinVar variation 1770524 (VCV001770524.3), dbSNP rs2533353655, ClinGen allele CA361135969.

ClinVar aggregate classification (germline): Uncertain significance (1 of 4 stars; one submission).

Conditions:
Hereditary cancer-predisposing syndrome. Also called: Hereditary Cancer Syndrome; Hereditary neoplastic syndrome; Neoplastic Syndromes, Hereditary; Tumor predisposition. Identifiers: Orphanet 140162, MedGen C0027672, MeSH D009386, MONDO:0015356.

Submission:

Ambry Genetics
Classification: Uncertain significance for Hereditary cancer-predisposing syndrome. Last evaluated: 2025-04-01. Review status: criteria provided, single submitter. Criteria: Ambry Variant Classification Scheme 2023. Collection method: clinical testing. Allele origin: germline.
Comment: The p.V450I variant (also known as c.1348G>A), located in coding exon 9 of the CTNNA1 gene, results from a G to A substitution at nucleotide position 1348. The valine at codon 450 is replaced by isoleucine, an amino acid with highly similar properties. This amino acid position is highly conserved in available vertebrate species. In addition, this alteration is predicted to be tolerated by in silico analysis. Based on the available evidence, the clinical significance of this variant remains unclear.